The following is an entry in ClinVar:

ClinVar aggregate classification (germline): Uncertain significance. Review status: criteria provided, multiple submitters, no conflicts (2 of 4 stars). 2 submissions from 2 submitters: Uncertain significance (2). Last evaluated 2025-01-31.

Conditions:
Autosomal recessive limb-girdle muscular dystrophy type 2A (LGMDR1). Also called: Muscular dystrophy, limb-girdle, type 2A, Amish; Limb-girdle muscular dystrophy, type 2A; Calpainopathy; LEYDEN-MOEBIUS MUSCULAR DYSTROPHY; MUSCULAR DYSTROPHY, PELVOFEMORAL. Identifiers: Orphanet 267, MedGen C1869123, MONDO:0009675, OMIM 253600. Disease mechanism: loss of function.

Allele frequency attached by ClinVar (database versions not stated): ExAC 0.00001; gnomAD 0.00001; gnomAD exomes 0.00001; TOPMed 0.00002.
gnomAD v4.1: 20 of 1,612,490 alleles (0.0012%); highest among the groups gnomAD compares: South Asian, 0.0022%; no homozygotes.

Submissions (2):

Women's Health and Genetics/Laboratory Corporation of America, LabCorp
Classification: Uncertain significance. Last evaluated: 2025-01-31. Review status: criteria provided, single submitter. Criteria: LabCorp Variant Classification Summary - May 2015. Collection method: clinical testing. Allele origin: germline.
Comment: Variant summary: CAPN3 c.1522G>A (p.Glu508Lys) results in a conservative amino acid change located in the Calpain subdomain III (IPR033883) of the encoded protein sequence. Four of five in-silico tools predict a benign effect of the variant on protein function. The variant is located close to a splice-site, therefore might affect splicing. Consensus agreement among computation tools predict no significant impact on normal splicing. However, these predictions have yet to be confirmed by functional studies. The variant allele was found at a frequency of 1.2e-05 in 1605498 control chromosomes in the gnomAD database (v4.1 dataset). The occurrence in several carriers suggests that this variant is likely not associated with a high penetrance, severe, early onset disease phenotype in heterozygous state. On the other hand, this frequency is not higher than the maximum estimated for a pathogenic variant in CAPN3 causing Autosomal recessive limb-girdle muscular dystrophy type 2A (0.011), allowing no conclusion about variant significance. To our knowledge, no occurrence of c.1522G>A in individuals affected with Autosomal recessive limb-girdle muscular dystrophy type 2A and no experimental evidence demonstrating its impact on protein function have been reported. ClinVar contains an entry for this variant (Variation ID: 1983271). Based on the evidence outlined above, the variant was classified as uncertain significance.

Labcorp Genetics (formerly Invitae), Labcorp
Classification: Uncertain significance for Autosomal recessive limb-girdle muscular dystrophy type 2A. Last evaluated: 2022-07-06. Review status: criteria provided, single submitter. Criteria: Invitae Variant Classification Sherloc (09022015). Collection method: clinical testing. Allele origin: germline.
Comment: This sequence change replaces glutamic acid, which is acidic and polar, with lysine, which is basic and polar, at codon 508 of the CAPN3 protein (p.Glu508Lys). This variant is present in population databases (rs756715004, gnomAD 0.007%). This variant has not been reported in the literature in individuals affected with CAPN3-related conditions. Algorithms developed to predict the effect of missense changes on protein structure and function are either unavailable or do not agree on the potential impact of this missense change (SIFT: "Deleterious"; PolyPhen-2: "Possibly Damaging"; Align-GVGD: "Class C0"). In summary, the available evidence is currently insufficient to determine the role of this variant in disease. Therefore, it has been classified as a Variant of Uncertain Significance.

NM_000070.3(CAPN3):c.1522G>A (p.Glu508Lys)

Gene: CAPN3 (calpain 3; plus strand). Cytogenetic location: 15q15.1.
Variant type: single nucleotide variant.
Coding change: c.1522G>A on transcript NM_000070.3 (MANE Select); coding-DNA position 1522, G replaced by A.
Protein change: p.Glu508Lys; replaces glutamic acid 508 with lysine.
Molecular consequence: missense variant.
Genome position (GRCh38, 1-based): chr15:42,401,808, G>A. VCF-style: chr15-42401808-G-A. GRCh37 (hg19) VCF-style: chr15-42694006-G-A.
Other names: c.1522G>A, p.Glu508Lys (NM_024344.2); c.1378G>A, p.Glu460Lys (NM_173087.2); c.1261G>A, p.Glu421Lys (NM_212464.2); c.*1215G>A (NM_212467.2); short protein forms E460K, E508K, E421K.
Identifiers: ClinVar variation 1983271 (VCV001983271.3), dbSNP rs756715004, ClinGen allele CA7511382.